The following is an entry in ClinVar:

ClinVar aggregate classification (germline): Uncertain significance. Review status: criteria provided, multiple submitters, no conflicts (2 of 4 stars). 4 submissions from 4 submitters: Uncertain significance (4). Last evaluated 2025-06-23.

Conditions:
Hereditary cancer-predisposing syndrome. Also called: Hereditary neoplastic syndrome; Neoplastic Syndromes, Hereditary; Tumor predisposition; Hereditary Cancer Syndrome. Identifiers: Orphanet 140162, MedGen C0027672, MeSH D009386, MONDO:0015356.
Breast-ovarian cancer, familial, susceptibility to, 4. Identifiers: Orphanet 145, MedGen C3280345, MONDO:0013669, OMIM 614291.
Hereditary breast ovarian cancer syndrome. Also called: Hereditary breast and/or ovarian cancer syndrome; Hereditary breast and ovarian cancer syndrome; Hereditary breast and ovarian cancer syndrome (HBOC); Breast and ovarian cancer; BRCA1- and BRCA2-Associated Hereditary Breast and Ovarian Cancer; Hereditary breast and ovarian cancer. Identifiers: Orphanet 145, MedGen C0677776, MeSH D061325, MONDO:0003582. Disease mechanism: loss of function.

Submissions (4):

Ambry Genetics
Classification: Uncertain significance for Hereditary cancer-predisposing syndrome. Last evaluated: 2025-06-23. Review status: criteria provided, single submitter. Criteria: Ambry Variant Classification Scheme 2023. Collection method: clinical testing. Allele origin: germline.
Comment: The p.T252P variant (also known as c.754A>C), located in coding exon 9 of the RAD51D gene, results from an A to C substitution at nucleotide position 754. The threonine at codon 252 is replaced by proline, an amino acid with highly similar properties. This variant was also observed in 1/3251 individuals who met eligibility criteria for hereditary breast and ovarian cancer syndrome (Lerner-Ellis J et al. J Cancer Res Clin Oncol, 2021 Mar;147:871-879). This amino acid position is highly conserved in available vertebrate species. In addition, this alteration is predicted to be deleterious by in silico analysis. Since supporting evidence is limited at this time, the clinical significance of this alteration remains unclear.

Labcorp Genetics (formerly Invitae), Labcorp
Classification: Uncertain significance for Breast-ovarian cancer, familial, susceptibility to, 4. Last evaluated: 2024-02-17. Review status: criteria provided, single submitter. Criteria: Invitae Variant Classification Sherloc (09022015). Collection method: clinical testing. Allele origin: germline.
Comment: This sequence change replaces threonine, which is neutral and polar, with proline, which is neutral and non-polar, at codon 252 of the RAD51D protein (p.Thr252Pro). This variant is not present in population databases (gnomAD no frequency). This variant has not been reported in the literature in individuals affected with RAD51D-related conditions. ClinVar contains an entry for this variant (Variation ID: 949331). Advanced modeling of protein sequence and biophysical properties (such as structural, functional, and spatial information, amino acid conservation, physicochemical variation, residue mobility, and thermodynamic stability) has been performed at Invitae for this missense variant, however the output from this modeling did not meet the statistical confidence thresholds required to predict the impact of this variant on RAD51D protein function. In summary, the available evidence is currently insufficient to determine the role of this variant in disease. Therefore, it has been classified as a Variant of Uncertain Significance.

Baylor Genetics
Classification: Uncertain significance for Breast-ovarian cancer, familial, susceptibility to, 4. Last evaluated: 2024-01-08. Review status: criteria provided, single submitter. Criteria: ACMG Guidelines, 2015. Collection method: clinical testing. Allele origin: unknown.

Department of Pathology and Laboratory Medicine, Sinai Health System
Classification: Uncertain significance for Hereditary breast ovarian cancer syndrome. Last evaluated: 2019-10-17. Review status: criteria provided, single submitter. Criteria: ACMG Guidelines, 2015. Collection method: clinical testing. Allele origin: germline. Affected: yes.

Literature cited by the submitters: PubMed 32885271 (cited by Ambry Genetics).

NM_002878.4(RAD51D):c.754A>C (p.Thr252Pro)

Genes: RAD51L3-RFFL (RAD51L3-RFFL readthrough; minus strand), RAD51D (RAD51 paralog D; minus strand). Cytogenetic location: 17q12.
Variant type: single nucleotide variant.
Coding change: c.754A>C on transcript NM_002878.4 (MANE Select); coding-DNA position 754, A replaced by C.
Protein change: p.Thr252Pro; replaces threonine 252 with proline.
Molecular consequence: missense variant. On other transcripts: non-coding transcript variant (3).
Genome position (GRCh38, 1-based): chr17:35,101,350, T>G on the plus strand (A>C on the coding strand, the complement: RAD51D is on the minus strand). VCF-style: chr17-35101350-T-G. GRCh37 (hg19) VCF-style: chr17-33428369-T-G.
Other names: c.814A>C, p.Thr272Pro (NM_001142571.2); c.418A>C, p.Thr140Pro (NM_133629.3); short protein forms T272P, T140P, T252P.
Identifiers: ClinVar variation 949331 (VCV000949331.12), dbSNP rs1173524549, ClinGen allele CA399086962.